The following is an entry in ClinVar:

NM_014425.5(INVS):c.1865C>T (p.Ala622Val)

Gene: INVS (inversin; plus strand). Cytogenetic location: 9q31.1.
Variant type: single nucleotide variant.
Coding change: c.1865C>T on transcript NM_014425.5 (MANE Select); coding-DNA position 1865, C replaced by T.
Protein change: p.Ala622Val; replaces alanine 622 with valine.
Molecular consequence: missense variant. On other transcripts: non-coding transcript variant (1).
Genome position (GRCh38, 1-based): chr9:100,284,400, C>T. VCF-style: chr9-100284400-C-T. GRCh37 (hg19) VCF-style: chr9-103046682-C-T.
Other names: c.1577C>T, p.Ala526Val (NM_001318381.2); c.887C>T, p.Ala296Val (NM_001318382.2); short protein forms A296V, A526V, A622V.
Identifiers: ClinVar variation 2916094 (VCV002916094.3), dbSNP rs745345210, ClinGen allele CA5158502.

ClinVar aggregate classification (germline): Uncertain significance (1 of 4 stars; one submission).

Conditions:
Nephronophthisis. Also called: Juvenile Nephronophthisis. Identifiers: Orphanet 655, MedGen C0687120, MONDO:0019005, HP:0000090.

Allele frequency attached by ClinVar (database versions not stated): TOPMed below 0.00001; gnomAD exomes 0.00001.
gnomAD v4.1: 3 of 1,614,022 alleles (0.00019%); highest among the groups gnomAD compares: Non-Finnish European, 0.00025%; no homozygotes.

Submission:

Labcorp Genetics (formerly Invitae), Labcorp
Classification: Uncertain significance for Nephronophthisis. Last evaluated: 2024-10-15. Review status: criteria provided, single submitter. Criteria: Invitae Variant Classification Sherloc (09022015). Collection method: clinical testing. Allele origin: germline.
Comment: This sequence change replaces alanine, which is neutral and non-polar, with valine, which is neutral and non-polar, at codon 622 of the INVS protein (p.Ala622Val). This variant is not present in population databases (gnomAD no frequency). This variant has not been reported in the literature in individuals affected with INVS-related conditions. An algorithm developed to predict the effect of missense changes on protein structure and function outputs the following: PolyPhen-2: "Benign". The valine amino acid residue is found in multiple mammalian species, which suggests that this missense change does not adversely affect protein function. In summary, the available evidence is currently insufficient to determine the role of this variant in disease. Therefore, it has been classified as a Variant of Uncertain Significance.